The following is an entry in ClinVar:

ClinVar aggregate classification (germline): Pathogenic (1 of 4 stars; one submission).

Conditions:
Hereditary cancer-predisposing syndrome. Also called: Hereditary neoplastic syndrome; Tumor predisposition; Hereditary Cancer Syndrome; Neoplastic Syndromes, Hereditary. Identifiers: Orphanet 140162, MedGen C0027672, MeSH D009386, MONDO:0015356.

Submission:

Color Diagnostics, LLC DBA Color Health
Classification: Pathogenic for Hereditary cancer-predisposing syndrome. Last evaluated: 2022-01-06. Review status: criteria provided, single submitter. Criteria: ACMG Guidelines, 2015. Collection method: clinical testing. Allele origin: germline.
Comment: This variant changes 1 nucleotide in exon 11 of the BRCA2 gene, creating a premature translation stop signal. This variant is expected to result in an absent or non-functional protein product. To our knowledge, this variant has not been reported in individuals affected with hereditary cancer in the literature. This variant has not been identified in the general population by the Genome Aggregation Database (gnomAD). Loss of BRCA2 function is a known mechanism of disease. Based on the available evidence, this variant is classified as Pathogenic.

NM_000059.4(BRCA2):c.4441G>T (p.Glu1481Ter)

Gene: BRCA2 (BRCA2 DNA repair associated; plus strand). Cytogenetic location: 13q13.1.
Variant type: single nucleotide variant.
Coding change: c.4441G>T on transcript NM_000059.4 (MANE Select); coding-DNA position 4441, G replaced by T.
Protein change: p.Glu1481Ter; replaces glutamic acid 1481 with a stop codon.
Molecular consequence: nonsense.
Genome position (GRCh38, 1-based): chr13:32,338,796, G>T. VCF-style: chr13-32338796-G-T. GRCh37 (hg19) VCF-style: chr13-32912933-G-T.
Other names: short protein forms E1481*.
Identifiers: ClinVar variation 491276 (VCV000491276.5), dbSNP rs1555283785, ClinGen allele CA387781338.